The following is an entry in ClinVar:

ClinVar aggregate classification (germline): Uncertain significance. Review status: criteria provided, multiple submitters, no conflicts (2 of 4 stars). 3 submissions from 3 submitters: Uncertain significance (3). Last evaluated 2022-07-19.

Conditions:
Cardiovascular phenotype. Identifiers: MedGen CN230736.
Catecholaminergic polymorphic ventricular tachycardia 1. Also called: RYR2-Related Catecholaminergic Polymorphic Ventricular Tachycardia; VENTRICULAR TACHYCARDIA, STRESS-INDUCED POLYMORPHIC 1; VENTRICULAR TACHYCARDIA, CATECHOLAMINERGIC POLYMORPHIC, 1, WITH OR WITHOUT ATRIAL DYSFUNCTION AND/OR DILATED CARDIOMYOPATHY. Identifiers: Orphanet 3286, MedGen C1631597, MONDO:0011484, OMIM 604772.
Catecholaminergic polymorphic ventricular tachycardia 5 (CARDAR). Also called: Ventricular tachycardia, catecholaminergic polymorphic, 5, with or without muscle weakness; CARDIAC ARRHYTHMIA SYNDROME, WITH OR WITHOUT SKELETAL MUSCLE WEAKNESS. Identifiers: Orphanet 3286, MedGen C3809536, MONDO:0014191, OMIM 615441.

Allele frequency attached by ClinVar (database versions not stated): gnomAD exomes 0.00001 and 0.00002; ExAC 0.00003.
gnomAD v4.1: 3 of 1,605,480 alleles (0.00019%); highest among the groups gnomAD compares: Admixed American, 0.0051%; no homozygotes.

Submissions (3):

Labcorp Genetics (formerly Invitae), Labcorp
Classification: Uncertain significance for Catecholaminergic polymorphic ventricular tachycardia 1. Last evaluated: 2022-07-19. Review status: criteria provided, single submitter. Criteria: Invitae Variant Classification Sherloc (09022015). Collection method: clinical testing. Allele origin: germline.
Comment: This sequence change replaces phenylalanine, which is neutral and non-polar, with isoleucine, which is neutral and non-polar, at codon 704 of the TRDN protein (p.Phe704Ile). This variant is present in population databases (rs780892167, gnomAD 0.009%). This variant has not been reported in the literature in individuals affected with TRDN-related conditions. ClinVar contains an entry for this variant (Variation ID: 1462213). Algorithms developed to predict the effect of missense changes on protein structure and function are either unavailable or do not agree on the potential impact of this missense change (SIFT: "Deleterious"; PolyPhen-2: "Probably Damaging"; Align-GVGD: "Class C0"). In summary, the available evidence is currently insufficient to determine the role of this variant in disease. Therefore, it has been classified as a Variant of Uncertain Significance.

Fulgent Genetics
Classification: Uncertain significance for Catecholaminergic polymorphic ventricular tachycardia 1; Catecholaminergic polymorphic ventricular tachycardia 5. Last evaluated: 2021-11-10. Review status: criteria provided, single submitter. Criteria: ACMG Guidelines, 2015. Collection method: clinical testing. Allele origin: unknown.

Ambry Genetics
Classification: Uncertain significance for Cardiovascular phenotype. Last evaluated: 2021-05-24. Review status: criteria provided, single submitter. Criteria: Ambry Variant Classification Scheme 2023. Collection method: clinical testing. Allele origin: germline.
Comment: The p.F704I variant (also known as c.2110T>A), located in coding exon 41 of the TRDN gene, results from a T to A substitution at nucleotide position 2110. The phenylalanine at codon 704 is replaced by isoleucine, an amino acid with highly similar properties. This amino acid position is highly conserved in available vertebrate species. In addition, the in silico prediction for this alteration is inconclusive. Since supporting evidence is limited at this time, the clinical significance of this alteration remains unclear.

NM_006073.4(TRDN):c.2110T>A (p.Phe704Ile)

Gene: TRDN (triadin; minus strand). Cytogenetic location: 6q22.31.
Variant type: single nucleotide variant.
Coding change: c.2110T>A on transcript NM_006073.4 (MANE Select); coding-DNA position 2110, T replaced by A.
Protein change: p.Phe704Ile; replaces phenylalanine 704 with isoleucine.
Molecular consequence: missense variant.
Genome position (GRCh38, 1-based): chr6:123,218,681, A>T on the plus strand (T>A on the coding strand, the complement: TRDN is on the minus strand). VCF-style: chr6-123218681-A-T. GRCh37 (hg19) VCF-style: chr6-123539826-A-T.
Other names: short protein forms F704I.
Identifiers: ClinVar variation 1462213 (VCV001462213.7), dbSNP rs780892167, ClinGen allele CA3983594.